The following is an entry in ClinVar:

NM_006371.5(CRTAP):c.36_44dup (p.10ALL[3])

Genes: CRTAP (cartilage associated protein; plus strand), LOC129936436 (ATAC-STARR-seq lymphoblastoid silent region 14183; plus strand). Cytogenetic location: 3p22.3.
Variant type: Duplication.
Coding change: c.36_44dup on transcript NM_006371.5 (MANE Select); coding-DNA positions 36 to 44, 9 bases duplicated (AGCGCTGCT; older notation c.36_44dupAGCGCTGCT).
Protein change: p.10ALL[3].
Molecular consequence: inframe insertion.
Genome position (GRCh38, 1-based): chr3:33,114,113-33,114,121, AGCGCTGCT duplicated; duplicating any 9 consecutive bases within chr3:33,114,105-33,114,121 gives the same sequence; the c. name uses the placement nearest the transcript's 3' end. VCF-style (leftmost placement, unchanged base first): chr3-33114104-G-GGCGCTGCTA. GRCh37 (hg19) VCF-style: chr3-33155596-G-GGCGCTGCTA.
Other names: c.36_44dup, p.10ALL[3] (NM_001393363.1, NM_001393364.1, NM_001393365.1).
Identifiers: ClinVar variation 1355011 (VCV001355011.3), dbSNP rs777594626, ClinGen allele CA2300173.

ClinVar aggregate classification (germline): Uncertain significance (1 of 4 stars; one submission).

Conditions:
Osteogenesis imperfecta type 7 (OI7). Also called: Osteogenesis imperfecta type 2B; OI type 2B; Osteogenesis imperfecta, perinatal lethal autosomal recessive; OI type IIB; OSTEOGENESIS IMPERFECTA, TYPE IIB; OI type 7. Identifiers: MedGen C1853162, MONDO:0012536, OMIM 610682.

Submission:

Labcorp Genetics (formerly Invitae), Labcorp
Classification: Uncertain significance for Osteogenesis imperfecta type 7. Last evaluated: 2021-12-17. Review status: criteria provided, single submitter. Criteria: Invitae Variant Classification Sherloc (09022015). Collection method: clinical testing. Allele origin: germline.
Comment: This variant, c.36_44dup, results in the insertion of 3 amino acid(s) of the CRTAP protein (p.Ala13_Leu15dup), but otherwise preserves the integrity of the reading frame. This variant is present in population databases (rs777594626, gnomAD 0.006%). This variant has not been reported in the literature in individuals affected with CRTAP-related conditions. Experimental studies and prediction algorithms are not available or were not evaluated, and the functional significance of this variant is currently unknown. Algorithms developed to predict the effect of sequence changes on RNA splicing suggest that this variant may create or strengthen a splice site. In summary, the available evidence is currently insufficient to determine the role of this variant in disease. Therefore, it has been classified as a Variant of Uncertain Significance.